The following is an entry in ClinVar:

ClinVar aggregate classification (germline): Pathogenic/Likely pathogenic. Review status: criteria provided, multiple submitters, no conflicts (2 of 4 stars). 2 submissions from 2 submitters: Pathogenic (1); Likely pathogenic (1). Last evaluated 2026-09-04.

Conditions:
Hereditary hemorrhagic telangiectasia (HHT). Also called: ORW DISEASE; Osler Weber Rendu syndrome; OSLER-RENDU-WEBER DISEASE; Osler hemorrhagic telangiectasia syndrome. Identifiers: Orphanet 774, MedGen C0039445, MONDO:0019180. Disease mechanism: loss of function.
Cardiovascular phenotype. Identifiers: MedGen CN230736.

Submissions (2):

Ambry Genetics
Classification: Pathogenic for Cardiovascular phenotype. Last evaluated: 2026-09-04. Review status: criteria provided, single submitter. Criteria: Ambry Variant Classification Scheme 2023. Collection method: clinical testing. Allele origin: germline.
Comment: The c.1311G>T pathogenic mutation (also known as p.R437R), located in coding exon 10 of the ENG gene, results from a G to T substitution at nucleotide position 1311. This nucleotide substitution does not change the arginine at codon 437. However, this change occurs in the last base pair of coding exon 10, which makes it likely to have some effect on normal mRNA splicing. This variant was reported in individual(s) with features consistent with hereditary hemorrhagic telangiectasia (HHT) (McDonald J et al. Clin Genet, 2011 Apr;79:335-44). Other variant(s) impacting the same donor site (c.1311G>A) have been identified in individual(s) with features consistent with HHT (Gallione CJ et al. Hum Mutat, 1998;11:286-94). This nucleotide position is highly conserved in available vertebrate species. In silico splice site analysis predicts that this alteration will weaken the native splice donor site. Based on the supporting evidence, this variant is interpreted as a disease-causing mutation.

Labcorp Genetics (formerly Invitae), Labcorp
Classification: Likely pathogenic for Hereditary hemorrhagic telangiectasia. Last evaluated: 2018-12-07. Review status: criteria provided, single submitter. Criteria: Invitae Variant Classification Sherloc (09022015). Collection method: clinical testing. Allele origin: germline.
Comment: Two additional variants affecting this nucleotide (c.1311G>C, c.1311G>A) has been determined to be pathogenic (PMID: 9554745, 15517393). This suggests that this nucleotide is important for normal RNA splicing, and that other variants at this position may also be pathogenic. Nucleotide substitutions within the consensus splice site are a relatively common cause of aberrant splicing (PMID: 17576681, 9536098). Algorithms developed to predict the effect of sequence changes on RNA splicing suggest that this variant may disrupt the consensus splice site, but this prediction has not been confirmed by published transcriptional studies. This variant has been reported in individuals affected with hereditary hemorrhagic telangiectasia (PMID: 21158752, Invitae). This variant is not present in population databases (ExAC no frequency). This sequence change affects codon 437 of the ENG mRNA. It is a 'silent' change, meaning that it does not change the encoded amino acid sequence of the ENG protein. This variant also falls at the last nucleotide of exon 10 of the ENG coding sequence, which is part of the consensus splice site for this exon. In summary, the currently available evidence indicates that the variant is pathogenic, but additional data are needed to prove that conclusively. Therefore, this variant has been classified as Likely Pathogenic.

Literature cited by the submitters: PubMed 15517393 (cited by Ambry Genetics and Labcorp Genetics (formerly Invitae), Labcorp); PubMed 21158752 (cited by Ambry Genetics and Labcorp Genetics (formerly Invitae), Labcorp); PubMed 9554745 (cited by Ambry Genetics and Labcorp Genetics (formerly Invitae), Labcorp); PubMed 17576681 (cited by Labcorp Genetics (formerly Invitae), Labcorp); PubMed 9536098 (cited by Labcorp Genetics (formerly Invitae), Labcorp).

NM_001114753.3(ENG):c.1311G>T (p.Arg437=)

Genes: ENG (endoglin; minus strand), LOC102723566 (uncharacterized LOC102723566; plus strand). Cytogenetic location: 9q34.11.
Variant type: single nucleotide variant.
Coding change: c.1311G>T on transcript NM_001114753.3 (MANE Select); coding-DNA position 1311, G replaced by T.
Protein change: p.Arg437=; no amino-acid change (arginine 437 retained).
Molecular consequence: synonymous variant.
Genome position (GRCh38, 1-based): chr9:127,819,622, C>A on the plus strand (G>T on the coding strand, the complement: ENG is on the minus strand). VCF-style: chr9-127819622-C-A. GRCh37 (hg19) VCF-style: chr9-130581901-C-A.
Other names: c.1311G>T, p.Arg437= (NM_000118.4); c.765G>T, p.Arg255= (NM_001278138.2); c.1311G>T (NM_001114753.1).
Identifiers: ClinVar variation 566406 (VCV000566406.12), dbSNP rs1554809448, ClinGen allele CA467227926.
Genomic context (GRCh38, chr9:127,819,622, plus strand): 5'-GGCCCCGGCCCAGCAGCAGCCCCTGGGCCAGGTGGGTTAGCACGTGACTGTCCATCTCAC[C>A]CGCTGTGGTGATGAGCTCGACAGGATATTGACCACCGCCTGCGGGGATAAAGCCAGGGAG-3'
Protein context (NP_001108225.1, residues 427-447): VNILSSSSPQ[Arg437=]KKVHCLNMDS